The following is an entry in ClinVar:

ClinVar aggregate classification (germline): Uncertain significance. Review status: criteria provided, multiple submitters, no conflicts (2 of 4 stars). 3 submissions from 3 submitters: Uncertain significance (3). Last evaluated 2022-08-23.

Conditions:
EEM syndrome (EEMS). Identifiers: Orphanet 1897, MedGen C1857041, MONDO:0009155, OMIM 225280.

Allele frequency attached by ClinVar (database versions not stated): gnomAD exomes 0.00001 and 0.00002; ExAC 0.00002; gnomAD 0.00002 and 0.00003; TOPMed 0.00002.
gnomAD v4.1: 24 of 1,614,002 alleles (0.0015%); highest among the groups gnomAD compares: African/African-American, 0.0067%; no homozygotes.

Submissions (3):

Labcorp Genetics (formerly Invitae), Labcorp
Classification: Uncertain significance. Last evaluated: 2022-08-23. Review status: criteria provided, single submitter. Criteria: Invitae Variant Classification Sherloc (09022015). Collection method: clinical testing. Allele origin: germline.
Comment: This sequence change replaces arginine with histidine at codon 551 of the CDH3 protein (p.Arg551His). The arginine residue is highly conserved and there is a small physicochemical difference between arginine and histidine. This variant is present in population databases (rs779413254, gnomAD 0.01%). This variant has not been reported in the literature in individuals affected with CDH3-related conditions. ClinVar contains an entry for this variant (Variation ID: 499468). Algorithms developed to predict the effect of missense changes on protein structure and function output the following: SIFT: "Not Available"; PolyPhen-2: "Benign"; Align-GVGD: "Not Available". The histidine amino acid residue is found in multiple mammalian species, which suggests that this missense change does not adversely affect protein function. In summary, the available evidence is currently insufficient to determine the role of this variant in disease. Therefore, it has been classified as a Variant of Uncertain Significance.

Illumina Laboratory Services, Illumina
Classification: Uncertain significance for EEM syndrome. Last evaluated: 2018-01-12. Review status: criteria provided, single submitter. Criteria: ICSL Variant Classification Criteria 13 December 2019. Collection method: clinical testing. Allele origin: germline.

Eurofins Ntd Llc (ga)
Classification: Uncertain significance. Last evaluated: 2017-01-23. Review status: criteria provided, single submitter. Criteria: EGL Classification Definitions 2015. Collection method: clinical testing. Allele origin: germline. Observed: 1 variant allele, 1 heterozygote.

NM_001793.6(CDH3):c.1652G>A (p.Arg551His)

Gene: CDH3 (cadherin 3; plus strand). Cytogenetic location: 16q22.1.
Variant type: single nucleotide variant.
Coding change: c.1652G>A on transcript NM_001793.6 (MANE Select); coding-DNA position 1652, G replaced by A.
Protein change: p.Arg551His; replaces arginine 551 with histidine.
Molecular consequence: missense variant.
Genome position (GRCh38, 1-based): chr16:68,687,593, G>A. VCF-style: chr16-68687593-G-A. GRCh37 (hg19) VCF-style: chr16-68721496-G-A.
Other names: c.1652G>A, p.Arg551His (NM_001317195.3); c.1487G>A, p.Arg496His (NM_001317196.2); short protein forms R551H, R496H.
Identifiers: ClinVar variation 499468 (VCV000499468.12), dbSNP rs779413254, ClinGen allele CA8129434.